The following is an entry in ClinVar:

ClinVar aggregate classification (germline): Benign/Likely benign. Review status: criteria provided, multiple submitters, no conflicts (2 of 4 stars). 3 submissions from 3 submitters: Benign (1); Likely benign (2). Last evaluated 2024-08-22.

Conditions:
Familial cancer of breast. Also called: BREAST CANCER, FAMILIAL; Hereditary breast cancer; hereditary breast carcinoma. Identifiers: Orphanet 227535, MedGen C0346153, MONDO:0016419, OMIM 114480. Disease mechanism: loss of function.
Fanconi anemia complementation group J. Also called: BRIP1-Related Fanconi Anemia. Identifiers: Orphanet 84, MedGen C1836860, MONDO:0012187, OMIM 609054.

Submissions (3):

Myriad Genetics, Inc.
Classification: Benign for Familial cancer of breast. Last evaluated: 2024-08-22. Review status: criteria provided, single submitter. Criteria: Myriad Autosomal Dominant, Autosomal Recessive and X-Linked Classification Criteria (2023). Collection method: clinical testing. Allele origin: unknown.
Comment: This variant is considered benign. This variant is a silent/synonymous amino acid change and it is not expected to impact splicing.

Labcorp Genetics (formerly Invitae), Labcorp
Classification: Likely benign for Familial cancer of breast; Fanconi anemia complementation group J. Last evaluated: 2020-12-07. Review status: criteria provided, single submitter. Criteria: Invitae Variant Classification Sherloc (09022015). Collection method: clinical testing. Allele origin: germline.

GeneDx
Classification: Likely benign. Last evaluated: 2018-04-10. Review status: criteria provided, single submitter. Criteria: GeneDx Variant Classification (06012015). Collection method: clinical testing. Allele origin: germline. Affected: yes.
Comment: This variant is considered likely benign or benign based on one or more of the following criteria: it is a conservative change, it occurs at a poorly conserved position in the protein, it is predicted to be benign by multiple in silico algorithms, and/or has population frequency not consistent with disease.

NM_032043.3(BRIP1):c.789C>G (p.Leu263=)

Gene: BRIP1 (BRCA1 interacting DNA helicase 1; minus strand). Cytogenetic location: 17q23.2.
Variant type: single nucleotide variant.
Coding change: c.789C>G on transcript NM_032043.3 (MANE Select); coding-DNA position 789, C replaced by G.
Protein change: p.Leu263=; no amino-acid change (leucine 263 retained).
Molecular consequence: synonymous variant.
Genome position (GRCh38, 1-based): chr17:61,808,596, G>C on the plus strand (C>G on the coding strand, the complement: BRIP1 is on the minus strand). VCF-style: chr17-61808596-G-C. GRCh37 (hg19) VCF-style: chr17-59885957-G-C.
Identifiers: ClinVar variation 682059 (VCV000682059.10), dbSNP rs1603346789, ClinGen allele CA501335465.